The following is an entry in ClinVar:

NM_015338.6(ASXL1):c.245C>T (p.Thr82Met)

Gene: ASXL1 (ASXL transcriptional regulator 1; plus strand). Cytogenetic location: 20q11.21.
Variant type: single nucleotide variant.
Coding change: c.245C>T on transcript NM_015338.6 (MANE Select); coding-DNA position 245, C replaced by T.
Protein change: p.Thr82Met; replaces threonine 82 with methionine.
Molecular consequence: missense variant.
Genome position (GRCh38, 1-based): chr20:32,369,116, C>T. VCF-style: chr20-32369116-C-T. GRCh37 (hg19) VCF-style: chr20-30956919-C-T.
Other names: c.245C>T, p.Thr82Met (NM_001164603.1); c.215C>T, p.Thr72Met (NM_001363734.1); c.245C>T (NM_015338.5); short protein forms T72M, T82M.
Identifiers: ClinVar variation 1522235 (VCV001522235.10), dbSNP rs769697612, ClinGen allele CA9808019.

ClinVar aggregate classification (germline): Conflicting classifications of pathogenicity. Review status: criteria provided, conflicting classifications (1 of 4 stars). 2 submissions from 2 submitters: Uncertain significance (1); Likely benign (1). Last evaluated 2025-12-01.

Conditions:
Inborn genetic diseases. Identifiers: MedGen C0950123, MeSH D030342.

Allele frequency attached by ClinVar (database versions not stated): ExAC 0.00001; gnomAD 0.00001; TOPMed 0.00001; gnomAD exomes 0.00002.
gnomAD v4.1: 38 of 1,606,650 alleles (0.0024%); highest among the groups gnomAD compares: Non-Finnish European, 0.003%; no homozygotes.

Submissions (2):

Labcorp Genetics (formerly Invitae), Labcorp
Classification: Uncertain significance. Last evaluated: 2025-12-01. Review status: criteria provided, single submitter. Criteria: Invitae Variant Classification Sherloc (09022015). Collection method: clinical testing. Allele origin: germline.
Comment: This sequence change replaces threonine, which is neutral and polar, with methionine, which is neutral and non-polar, at codon 82 of the ASXL1 protein (p.Thr82Met). This variant is present in population databases (rs769697612, gnomAD 0.005%). This variant has not been reported in the literature in individuals affected with ASXL1-related conditions. ClinVar contains an entry for this variant (Variation ID: 1522235). An algorithm developed to predict the effect of missense changes on protein structure and function (PolyPhen-2) suggests that this variant is likely to be disruptive. In summary, the available evidence is currently insufficient to determine the role of this variant in disease. Therefore, it has been classified as a Variant of Uncertain Significance.

Ambry Genetics
Classification: Likely benign for Inborn genetic diseases. Last evaluated: 2024-12-19. Review status: criteria provided, single submitter. Criteria: Ambry Variant Classification Scheme 2023. Collection method: clinical testing. Allele origin: germline.